The following is an entry in ClinVar:

NM_001849.4(COL6A2):c.2738_2740del (p.Ser913del)

Gene: COL6A2 (collagen type VI alpha 2 chain; plus strand). Cytogenetic location: 21q22.3.
Variant type: Deletion.
Coding change: c.2738_2740del on transcript NM_001849.4 (MANE Select); coding-DNA positions 2738 to 2740, 3 bases deleted (CCT; older notation c.2738_2740delCCT).
Protein change: p.Ser913del; deletes serine 913.
Molecular consequence: inframe deletion.
Genome position (GRCh38, 1-based): chr21:46,132,230-46,132,232, CCT deleted; deleting any 3 consecutive bases within chr21:46,132,228-46,132,232 gives the same sequence; the c. name uses the placement nearest the transcript's 3' end. VCF-style (leftmost placement, unchanged base first): chr21-46132227-ACTC-A. GRCh37 (hg19) VCF-style: chr21-47552141-ACTC-A.
Other names: c.2738_2740delCCT (NM_001849.3); c.2738_2740del (NM_001849.3); short protein forms S913del.
Identifiers: ClinVar variation 289580 (VCV000289580.16), dbSNP rs777696289, ClinGen allele CA10072997.

ClinVar aggregate classification (germline): Uncertain significance. Review status: criteria provided, multiple submitters, no conflicts (2 of 4 stars). 4 submissions from 4 submitters: Uncertain significance (4). Last evaluated 2023-08-14.

Conditions:
Bethlem myopathy 1A. Also called: Bethlem Muscular Dystrophy; MYOPATHY, BENIGN CONGENITAL, WITH CONTRACTURES; Bethlem myopathy 1. Identifiers: Orphanet 610, MedGen CN029274, MONDO:0024530, OMIM 158810.

Submissions (4):

Labcorp Genetics (formerly Invitae), Labcorp
Classification: Uncertain significance for Bethlem myopathy 1A. Last evaluated: 2023-08-14. Review status: criteria provided, single submitter. Criteria: Invitae Variant Classification Sherloc (09022015). Collection method: clinical testing. Allele origin: germline.
Comment: This variant, c.2738_2740del, results in the deletion of 1 amino acid(s) of the COL6A2 protein (p.Ser913del), but otherwise preserves the integrity of the reading frame. This variant is present in population databases (rs777696289, gnomAD 0.003%). This variant has not been reported in the literature in individuals affected with COL6A2-related conditions. ClinVar contains an entry for this variant (Variation ID: 289580). Experimental studies and prediction algorithms are not available or were not evaluated, and the functional significance of this variant is currently unknown. In summary, the available evidence is currently insufficient to determine the role of this variant in disease. Therefore, it has been classified as a Variant of Uncertain Significance.

GeneDx
Classification: Uncertain significance. Last evaluated: 2023-06-13. Review status: criteria provided, single submitter. Criteria: GeneDx Variant Classification Process June 2021. Collection method: clinical testing. Allele origin: germline. Affected: yes.
Comment: Not observed at significant frequency in large population cohorts (gnomAD); In-frame deletion of one amino acid in a non-repeat region; In silico analysis supports a deleterious effect on protein structure/function; Identified in a family with a clinical diagnosis of Ullrich congenital muscular dystrophy in published literature (PMID: 36982625); This variant is associated with the following publications: (PMID: 36982625)

Kariminejad - Najmabadi Pathology & Genetics Center
Classification: Uncertain significance. Last evaluated: 2018-07-26. Review status: criteria provided, single submitter. Criteria: ACMG Guidelines, 2015. Collection method: clinical testing. Allele origin: germline. Inheritance: Autosomal recessive inheritance. Affected: yes.
Comment: PM2 PM4

Eurofins Ntd Llc (ga)
Classification: Uncertain significance. Last evaluated: 2016-07-25. Review status: criteria provided, single submitter. Criteria: EGL Classification Definitions 2015. Collection method: clinical testing. Allele origin: germline. Observed: 1 variant allele, 1 heterozygote.